The following is an entry in ClinVar:

NM_007175.8(ERLIN2):c.819+3A>G

Gene: ERLIN2 (ER lipid raft associated 2; plus strand). Cytogenetic location: 8p11.23.
Variant type: single nucleotide variant.
Coding change: c.819+3A>G on transcript NM_007175.8 (MANE Select); 3 bases into the intron after coding-DNA position 819, A replaced by G.
Molecular consequence: intron variant.
Genome position (GRCh38, 1-based): chr8:37,753,532, A>G. VCF-style: chr8-37753532-A-G. GRCh37 (hg19) VCF-style: chr8-37611050-A-G.
Other names: c.819+3A>G (NM_001362878.2).
Identifiers: ClinVar variation 210959 (VCV000210959.16), dbSNP rs377704533, ClinGen allele CA208775.

ClinVar aggregate classification (germline): Uncertain significance. Review status: criteria provided, multiple submitters, no conflicts (2 of 4 stars). 4 submissions from 4 submitters: Uncertain significance (4). Last evaluated 2025-09-07.

Conditions:
Spastic paraplegia. Identifiers: MedGen C0037772, HP:0001258.

Allele frequency attached by ClinVar (database versions not stated): TOPMed 0.00007; gnomAD 0.00013 and 0.00014; ExAC 0.00017; gnomAD exomes 0.00013 and 0.00008; ESP Exome Variant Server 0.00008.
gnomAD v4.1: 138 of 1,613,554 alleles (0.0086%); highest among the groups gnomAD compares: Non-Finnish European, 0.0089%; no homozygotes.

Submissions (4):

Labcorp Genetics (formerly Invitae), Labcorp
Classification: Uncertain significance for Spastic paraplegia. Last evaluated: 2025-09-07. Review status: criteria provided, single submitter. Criteria: Invitae Variant Classification Sherloc (09022015). Collection method: clinical testing. Allele origin: germline.
Comment: This sequence change falls in intron 11 of the ERLIN2 gene. It does not directly change the encoded amino acid sequence of the ERLIN2 protein. It affects a nucleotide within the consensus splice site. This variant is present in population databases (rs377704533, gnomAD 0.04%). This variant has been observed in individuals with hereditary spastic paraplegia (internal data). ClinVar contains an entry for this variant (Variation ID: 210959). Variants that disrupt the consensus splice site are a relatively common cause of aberrant splicing (PMID: 17576681, 9536098). Algorithms developed to predict the effect of sequence changes on RNA splicing suggest that this variant may disrupt the consensus splice site. In summary, the available evidence is currently insufficient to determine the role of this variant in disease. Therefore, it has been classified as a Variant of Uncertain Significance.

Laboratory of Genetics, Children's Clinical University Hospital Latvia
Classification: Uncertain significance. Last evaluated: 2025-02-16. Review status: criteria provided, single submitter. Criteria: ACMG Guidelines, 2015. Collection method: clinical testing. Allele origin: germline. Affected: yes.

GeneDx
Classification: Uncertain significance. Last evaluated: 2024-12-17. Review status: criteria provided, single submitter. Criteria: GeneDx Variant Classification Process June 2021. Collection method: clinical testing. Allele origin: germline.
Comment: Nucleotide is not conserved across species and the substitution has no predicted effect on splicing; Has not been previously published as pathogenic or benign to our knowledge; This variant is associated with the following publications: (PMID: 17576681, 9536098)

Genetic Services Laboratory, University of Chicago
Classification: Uncertain significance. Last evaluated: 2014-06-16. Review status: criteria provided, single submitter. Criteria: ACMG Guidelines, 2015. Collection method: clinical testing. Allele origin: germline.

Literature cited by the submitters: PubMed 17576681 (cited by Labcorp Genetics (formerly Invitae), Labcorp); PubMed 9536098 (cited by Labcorp Genetics (formerly Invitae), Labcorp).